The following is an entry in ClinVar:

NM_001042492.3(NF1):c.392C>T (p.Ala131Val)

Gene: NF1 (neurofibromin 1; plus strand). Cytogenetic location: 17q11.2.
Variant type: single nucleotide variant.
Coding change: c.392C>T on transcript NM_001042492.3 (MANE Select); coding-DNA position 392, C replaced by T.
Protein change: p.Ala131Val; replaces alanine 131 with valine.
Molecular consequence: missense variant.
Genome position (GRCh38, 1-based): chr17:31,163,289, C>T. VCF-style: chr17-31163289-C-T. GRCh37 (hg19) VCF-style: chr17-29490307-C-T.
Other names: c.392C>T, p.Ala131Val (NM_000267.4, NM_001128147.3); short protein forms A131V.
Identifiers: ClinVar variation 561800 (VCV000561800.13), dbSNP rs1567817930, ClinGen allele CA398981856.

ClinVar aggregate classification (germline): Uncertain significance. Review status: criteria provided, multiple submitters, no conflicts (2 of 4 stars). 4 submissions from 4 submitters: Uncertain significance (4). Last evaluated 2024-08-19.

Conditions:
Hereditary cancer-predisposing syndrome. Also called: Neoplastic Syndromes, Hereditary; Tumor predisposition; Hereditary Cancer Syndrome; Hereditary neoplastic syndrome. Identifiers: Orphanet 140162, MedGen C0027672, MeSH D009386, MONDO:0015356.
Cardiovascular phenotype. Identifiers: MedGen CN230736.
Neurofibromatosis, type 1 (NF1). Also called: VON RECKLINGHAUSEN DISEASE; NEUROFIBROMATOSIS, TYPE I, SOMATIC; Peripheral type neurofibromatosis; Neurofibromatosis, type I. Identifiers: Orphanet 636, MedGen C0027831, MONDO:0018975, OMIM 162200. Disease mechanism: loss of function.

Submissions (4):

Ambry Genetics
Classification: Uncertain significance for Cardiovascular phenotype; Hereditary cancer-predisposing syndrome. Last evaluated: 2024-08-19. Review status: criteria provided, single submitter. Criteria: Ambry Variant Classification Scheme 2023. Collection method: clinical testing. Allele origin: germline.
Comment: The p.A131V variant (also known as c.392C>T), located in coding exon 4 of the NF1 gene, results from a C to T substitution at nucleotide position 392. The alanine at codon 131 is replaced by valine, an amino acid with similar properties. This amino acid position is highly conserved in available vertebrate species. In addition, the in silico prediction for this alteration is inconclusive. Since supporting evidence is limited at this time, the clinical significance of this alteration remains unclear.

GeneDx
Classification: Uncertain significance. Last evaluated: 2022-07-14. Review status: criteria provided, single submitter. Criteria: GeneDx Variant Classification Process June 2021. Collection method: clinical testing. Allele origin: germline. Affected: yes.
Comment: Not observed at significant frequency in large population cohorts (gnomAD); In silico analysis supports that this missense variant does not alter protein structure/function; Has not been previously published as pathogenic or benign to our knowledge

Genome-Nilou Lab
Classification: Uncertain significance for Neurofibromatosis, type 1. Last evaluated: 2022-03-15. Review status: criteria provided, single submitter. Criteria: ACMG Guidelines, 2015. Collection method: clinical testing. Allele origin: germline. Affected: no.

Labcorp Genetics (formerly Invitae), Labcorp
Classification: Uncertain significance for Neurofibromatosis, type 1. Last evaluated: 2020-03-04. Review status: criteria provided, single submitter. Criteria: Invitae Variant Classification Sherloc (09022015). Collection method: clinical testing. Allele origin: germline.
Comment: This sequence change replaces alanine with valine at codon 131 of the NF1 protein (p.Ala131Val). The alanine residue is moderately conserved and there is a small physicochemical difference between alanine and valine. This variant is not present in population databases (ExAC no frequency). This variant has not been reported in the literature in individuals with NF1-related conditions. ClinVar contains an entry for this variant (Variation ID: 561800). Algorithms developed to predict the effect of missense changes on protein structure and function are either unavailable or do not agree on the potential impact of this missense change (SIFT: "Tolerated"; PolyPhen-2: "Probably Damaging"; Align-GVGD: "Class C0"). Algorithms developed to predict the effect of sequence changes on RNA splicing suggest that this variant may create or strengthen a splice site, but this prediction has not been confirmed by published transcriptional studies. In summary, the available evidence is currently insufficient to determine the role of this variant in disease. Therefore, it has been classified as a Variant of Uncertain Significance.